The following is an entry in ClinVar:

ClinVar aggregate classification (germline): Pathogenic (1 of 4 stars; one submission).

Conditions:
Neurofibromatosis, type 2 (SWNV). Also called: BILATERAL ACOUSTIC NEUROFIBROMATOSIS; SCHWANNOMATOSIS, VESTIBULAR; NF2-Related Schwannomatosis. Identifiers: Orphanet 637, MedGen C0027832, MONDO:0007039, OMIM 101000. Disease mechanism: loss of function.

Submission:

Labcorp Genetics (formerly Invitae), Labcorp
Classification: Pathogenic for Neurofibromatosis, type 2. Last evaluated: 2022-02-19. Review status: criteria provided, single submitter. Criteria: Invitae Variant Classification Sherloc (09022015). Collection method: clinical testing. Allele origin: germline.
Comment: For these reasons, this variant has been classified as Pathogenic. A similar copy number variant has been observed in individual(s) with NF2-related disease (PMID: 19968670). This variant is a gross deletion of the genomic region encompassing exon(s) 1-2 of the NF2 gene, which includes the initiator codon. This deletion extends beyond the assayed region for this gene and therefore may encompass additional genes. It is expected to result in an absent or disrupted protein product. Loss-of-function variants in NF2 are known to be pathogenic (PMID: 9643284, 16983642).

Literature cited by the submitters: PubMed 19968670; PubMed 9643284; PubMed 16983642.

NC_000022.10:g.(?_29999988)_(30032875_?)del

Gene: NF2 (NF2, moesin-ezrin-radixin like (MERLIN) tumor suppressor; plus strand). Cytogenetic location: 22q12.2.
Variant type: Deletion.
Identifiers: ClinVar variation 1452260 (VCV001452260.11).